The following is an entry in ClinVar:

NM_000051.4(ATM):c.9029T>C (p.Leu3010Ser)

Genes: ATM (ATM serine/threonine kinase; plus strand), C11orf65 (chromosome 11 open reading frame 65; minus strand). Cytogenetic location: 11q22.3.
Variant type: single nucleotide variant.
Coding change: c.9029T>C on transcript NM_000051.4 (MANE Select); coding-DNA position 9029, T replaced by C.
Protein change: p.Leu3010Ser; replaces leucine 3010 with serine.
Molecular consequence: missense variant. On other transcripts: intron variant (2).
Genome position (GRCh38, 1-based): chr11:108,365,366, T>C. VCF-style: chr11-108365366-T-C. GRCh37 (hg19) VCF-style: chr11-108236093-T-C.
Other names: c.9029T>C, p.Leu3010Ser (NM_001351834.2); c.640+20554A>G (NM_001330368.2); c.694+20554A>G (NM_001351110.2); short protein forms L3010S.
Identifiers: ClinVar variation 1521899 (VCV001521899.11), dbSNP rs2137909752, ClinGen allele CA382531171.

ClinVar aggregate classification (germline): Uncertain significance. Review status: criteria provided, multiple submitters, no conflicts (2 of 4 stars). 2 submissions from 2 submitters: Uncertain significance (2). Last evaluated 2024-11-12.

Conditions:
Ataxia-telangiectasia syndrome (AT). Also called: LOUIS-BAR SYNDROME; Cerebello-oculocutaneous telangiectasia; Immunodeficiency with ataxia telangiectasia; Ataxia telangiectasia (A-T); Ataxia-telangiectasia, complementation group D; AT, COMPLEMENTATION GROUP C. Identifiers: Orphanet 100, MedGen C0004135, MONDO:0008840, OMIM 208900.
Hereditary cancer-predisposing syndrome. Also called: Neoplastic Syndromes, Hereditary; Tumor predisposition; Hereditary Cancer Syndrome; Hereditary neoplastic syndrome. Identifiers: Orphanet 140162, MedGen C0027672, MeSH D009386, MONDO:0015356.

Submissions (2):

Labcorp Genetics (formerly Invitae), Labcorp
Classification: Uncertain significance for Ataxia-telangiectasia syndrome. Last evaluated: 2024-11-12. Review status: criteria provided, single submitter. Criteria: Invitae Variant Classification Sherloc (09022015). Collection method: clinical testing. Allele origin: germline.
Comment: This sequence change replaces leucine, which is neutral and non-polar, with serine, which is neutral and polar, at codon 3010 of the ATM protein (p.Leu3010Ser). This variant is not present in population databases (gnomAD no frequency). This variant has not been reported in the literature in individuals affected with ATM-related conditions. ClinVar contains an entry for this variant (Variation ID: 1521899). Invitae Evidence Modeling of protein sequence and biophysical properties (such as structural, functional, and spatial information, amino acid conservation, physicochemical variation, residue mobility, and thermodynamic stability) has been performed for this missense variant. However, the output from this modeling did not meet the statistical confidence thresholds required to predict the impact of this variant on ATM protein function. In summary, the available evidence is currently insufficient to determine the role of this variant in disease. Therefore, it has been classified as a Variant of Uncertain Significance.

Ambry Genetics
Classification: Uncertain significance for Hereditary cancer-predisposing syndrome. Last evaluated: 2024-09-17. Review status: criteria provided, single submitter. Criteria: Ambry Variant Classification Scheme 2023. Collection method: clinical testing. Allele origin: germline.
Comment: The p.L3010S variant (also known as c.9029T>C), located in coding exon 62 of the ATM gene, results from a T to C substitution at nucleotide position 9029. The leucine at codon 3010 is replaced by serine, an amino acid with dissimilar properties. This amino acid position is highly conserved in available vertebrate species. In addition, the in silico prediction for this alteration is inconclusive. Based on the available evidence, the clinical significance of this variant remains unclear.